The following is an entry in ClinVar:

NM_000432.4(MYL2):c.468G>A (p.Val156=)

Gene: MYL2 (myosin light chain 2; minus strand). Cytogenetic location: 12q24.11.
Variant type: single nucleotide variant.
Coding change: c.468G>A on transcript NM_000432.4 (MANE Select); coding-DNA position 468, G replaced by A.
Protein change: p.Val156=; no amino-acid change (valine 156 retained).
Molecular consequence: synonymous variant.
Genome position (GRCh38, 1-based): chr12:110,911,110, C>T on the plus strand (G>A on the coding strand, the complement: MYL2 is on the minus strand). VCF-style: chr12-110911110-C-T. GRCh37 (hg19) VCF-style: chr12-111348914-C-T.
Identifiers: ClinVar variation 922438 (VCV000922438.14), dbSNP rs137984206, ClinGen allele CA043244.

ClinVar aggregate classification (germline): Likely benign. Review status: criteria provided, multiple submitters, no conflicts (2 of 4 stars). 5 submissions from 5 submitters: Likely benign (5). Last evaluated 2023-05-31.

Conditions:
Hypertrophic cardiomyopathy 10. Also called: CARDIOMYOPATHY, HYPERTROPHIC, MID-LEFT VENTRICULAR CHAMBER TYPE, 2; MYL2-Related Familial Hypertrophic Cardiomyopathy. Identifiers: MedGen C1834460, MONDO:0012112, OMIM 608758.
Hypertrophic cardiomyopathy. Also called: HYPERTROPHIC MYOCARDIOPATHY. Identifiers: Orphanet 217569, MedGen C0007194, MeSH D002312, MONDO:0005045, HP:0001639.
Cardiovascular phenotype. Identifiers: MedGen CN230736.
Cardiomyopathy (CMYO). Also called: Cardiomyopathies. Identifiers: Orphanet 167848, MedGen C0878544, MONDO:0004994, HP:0001638. Inheritance: Various modes of inheritance.

Allele frequency attached by ClinVar (database versions not stated): ExAC 0.00001; gnomAD exomes 0.00001; gnomAD 0.00002; TOPMed 0.00002; ESP Exome Variant Server 0.00008.

Submissions (5):

All of Us Research Program, National Institutes of Health
Classification: Likely benign for Hypertrophic cardiomyopathy. Last evaluated: 2023-05-31. Review status: criteria provided, single submitter. Criteria: ACMG Guidelines, 2015. Collection method: clinical testing. Allele origin: germline. Inheritance: Autosomal dominant inheritance. Observed: 2 variant alleles, 2 heterozygotes.
Comment: This study involves interpretation of variants in research participants for the purpose of population health screening. Participant phenotype was not available at the time of variant classification. Additional details can be found in publication PMID: 35346344, PMCID: PMC8962531

Ambry Genetics
Classification: Likely benign for Cardiovascular phenotype. Last evaluated: 2023-04-24. Review status: criteria provided, single submitter. Criteria: Ambry Variant Classification Scheme 2023. Collection method: clinical testing. Allele origin: germline.

Labcorp Genetics (formerly Invitae), Labcorp
Classification: Likely benign for Hypertrophic cardiomyopathy 10. Last evaluated: 2022-11-12. Review status: criteria provided, single submitter. Criteria: Invitae Variant Classification Sherloc (09022015). Collection method: clinical testing. Allele origin: germline.

CHEO Genetics Diagnostic Laboratory, Children's Hospital of Eastern Ontario
Classification: Likely benign for Cardiomyopathy. Last evaluated: 2021-08-03. Review status: criteria provided, single submitter. Criteria: ACMG Guidelines, 2015. Collection method: clinical testing. Allele origin: germline.

Color Diagnostics, LLC DBA Color Health
Classification: Likely benign for Cardiomyopathy. Last evaluated: 2018-10-22. Review status: criteria provided, single submitter. Criteria: ACMG Guidelines, 2015. Collection method: clinical testing. Allele origin: germline.